The following is an entry in ClinVar:

NM_000059.4(BRCA2):c.765C>T (p.Asn255=)

Gene: BRCA2 (BRCA2 DNA repair associated; plus strand). Cytogenetic location: 13q13.1.
Variant type: single nucleotide variant.
Coding change: c.765C>T on transcript NM_000059.4 (MANE Select); coding-DNA position 765, C replaced by T.
Protein change: p.Asn255=; no amino-acid change (asparagine 255 retained).
Molecular consequence: synonymous variant.
Genome position (GRCh38, 1-based): chr13:32,331,002, C>T. VCF-style: chr13-32331002-C-T. GRCh37 (hg19) VCF-style: chr13-32905139-C-T.
Identifiers: ClinVar variation 481012 (VCV000481012.19), dbSNP rs1052409683, ClinGen allele CA247494307.
Genomic context (GRCh38, chr13:32,331,002, plus strand): 5'-TCATGATGAAAGTCTGAAGAAAAATGATAGATTTATCGCTTCTGTGACAGACAGTGAAAA[C>T]ACAAATCAAAGAGAAGCTGCAAGTCATGGTAAGTCCTCTGTTTAGTTGAACTACAGGTTT-3'
Protein context (NP_000050.3, residues 245-265): RFIASVTDSE[Asn255=]TNQREAASHG

ClinVar aggregate classification (germline): Likely benign. Review status: criteria provided, multiple submitters, no conflicts (2 of 4 stars). 6 submissions from 6 submitters: Likely benign (6). Last evaluated 2025-02-19.

Conditions:
Hereditary cancer-predisposing syndrome. Also called: Hereditary neoplastic syndrome; Neoplastic Syndromes, Hereditary; Tumor predisposition; Hereditary Cancer Syndrome. Identifiers: Orphanet 140162, MedGen C0027672, MeSH D009386, MONDO:0015356.
Hereditary breast ovarian cancer syndrome. Also called: Hereditary breast and ovarian cancer syndrome (HBOC); Breast and ovarian cancer; Hereditary breast and ovarian cancer syndrome; Hereditary breast and ovarian cancer; Hereditary breast and/or ovarian cancer syndrome; BRCA1- and BRCA2-Associated Hereditary Breast and Ovarian Cancer. Identifiers: Orphanet 145, MedGen C0677776, MeSH D061325, MONDO:0003582. Disease mechanism: loss of function.
Breast-ovarian cancer, familial, susceptibility to, 2 (BROVCA2). Also called: BRCA2 Hereditary Breast and Ovarian Cancer. Identifiers: Orphanet 145, MedGen C2675520, MONDO:0012933, OMIM 612555. Disease mechanism: loss of function.

Allele frequency attached by ClinVar (database versions not stated): gnomAD exomes below 0.00001; gnomAD 0.00001; TOPMed 0.00002.
gnomAD v4.1: 3 of 1,612,254 alleles (0.00019%); highest among the groups gnomAD compares: African/African-American, 0.004%; no homozygotes.

Submissions (6):

Labcorp Genetics (formerly Invitae), Labcorp
Classification: Likely benign for Hereditary breast ovarian cancer syndrome. Last evaluated: 2025-02-19. Review status: criteria provided, single submitter. Criteria: Invitae Variant Classification Sherloc (09022015). Collection method: clinical testing. Allele origin: germline.

All of Us Research Program, National Institutes of Health
Classification: Likely benign for Breast-ovarian cancer, familial, susceptibility to, 2. Last evaluated: 2024-02-05. Review status: criteria provided, single submitter. Criteria: ACMG Guidelines, 2015. Collection method: clinical testing. Allele origin: germline. Inheritance: Autosomal dominant inheritance. Observed: 1 variant allele, 1 heterozygote.
Comment: This study involves interpretation of variants in research participants for the purpose of population health screening. Participant phenotype was not available at the time of variant classification. Additional details can be found in publication PMID: 35346344, PMCID: PMC8962531

Color Diagnostics, LLC DBA Color Health
Classification: Likely benign for Hereditary cancer-predisposing syndrome. Last evaluated: 2024-01-25. Review status: criteria provided, single submitter. Criteria: ACMG Guidelines, 2015. Collection method: clinical testing. Allele origin: germline.

Women's Health and Genetics/Laboratory Corporation of America, LabCorp
Classification: Likely benign. Last evaluated: 2023-06-22. Review status: criteria provided, single submitter. Criteria: LabCorp Variant Classification Summary - May 2015. Collection method: clinical testing. Allele origin: germline.

Quest Diagnostics Nichols Institute San Juan Capistrano
Classification: Likely benign. Last evaluated: 2019-06-02. Review status: criteria provided, single submitter. Criteria: Quest Diagnostics criteria. Collection method: clinical testing. Allele origin: germline.

Ambry Genetics
Classification: Likely benign for Hereditary cancer-predisposing syndrome. Last evaluated: 2016-03-24. Review status: criteria provided, single submitter. Criteria: Ambry Variant Classification Scheme 2023. Collection method: clinical testing. Allele origin: germline.